The following is an entry in ClinVar:

NM_001001548.3(CD36):c.1348_1353del (p.Ser450_Val451del)

Gene: CD36 (CD36 molecule (CD36 blood group); plus strand). Cytogenetic location: 7q21.11.
Variant type: Deletion.
Coding change: c.1348_1353del on transcript NM_001001548.3 (MANE Select); coding-DNA positions 1348 to 1353, 6 bases deleted (AGTGTT; older notation c.1348_1353delAGTGTT).
Protein change: p.Ser450_Val451del.
Molecular consequence: inframe deletion. On other transcripts: non-coding transcript variant (1).
Genome position (GRCh38, 1-based): chr7:80,674,076-80,674,081, AGTGTT deleted. VCF-style (leftmost placement, unchanged base first): chr7-80674075-CAGTGTT-C. GRCh37 (hg19) VCF-style: chr7-80303391-CAGTGTT-C.
Other names: c.1348_1353del, p.Ser450_Val451del (NM_000072.3, NM_001001547.3, NM_001127443.2 and 5 more transcripts); c.1231_1236del, p.Ser411_Val412del (NM_001289908.1); c.1168_1173del, p.Ser390_Val391del (NM_001289909.1); c.1120_1125del, p.Ser374_Val375del (NM_001289911.2); c.1246_1251del, p.Ser416_Val417del (NM_001371079.1); c.883_888del, p.Ser295_Val296del (NM_001371080.1, NM_001371081.1).
Identifiers: ClinVar variation 2636824 (VCV002636824.1), dbSNP rs772773399, ClinGen allele CA4315823.
Genomic context (GRCh38, chr7:80,674,075, plus strand): 5'-GTTCAGAAGTCAAGTAACTGGAAAAATAAACCTCCTTGGCCTGATAGAAATGATCTTACT[CAGTGTT>C]GGTGTGGTGATGTTTGTTGCTTTTATGATTTCATATTGTGCATGCAGATCGAAAACAATA-3'

ClinVar aggregate classification (germline): Uncertain significance (1 of 4 stars; one submission).

Conditions:
CD36-related disorder. Also called: CD36-related condition; CD36-related disorders.

Allele frequency attached by ClinVar (database versions not stated): TOPMed 0.00002; gnomAD 0.00003; gnomAD exomes 0.00003; ExAC 0.00005.

Submission:

PreventionGenetics, part of Exact Sciences
Classification: Uncertain significance for CD36-related condition. Last evaluated: 2023-03-24. Review status: criteria provided, single submitter. Criteria: ACMG Guidelines, 2015. Collection method: clinical testing. Allele origin: germline.
Comment: The CD36 c.1348_1353del6 variant is predicted to result in an in-frame deletion (p.Ser450_Val451del). To our knowledge, this variant has not been reported in the literature. This variant is reported in 0.0062% of alleles in individuals of European (Non-Finnish) descent in gnomAD. At this time, the clinical significance of this variant is uncertain due to the absence of conclusive functional and genetic evidence.